The following is an entry in ClinVar:

ClinVar aggregate classification (germline): Uncertain significance (1 of 4 stars; one submission).

gnomAD v4.1: 6 of 1,614,166 alleles (0.00037%); highest among the groups gnomAD compares: Non-Finnish European, 0.00051%; no homozygotes.

Submission:

Ambry Genetics
Classification: Uncertain significance. Last evaluated: 2025-02-16. Review status: criteria provided, single submitter. Criteria: Ambry Variant Classification Scheme 2023. Collection method: clinical testing. Allele origin: germline.
Comment: The p.P1061L variant (also known as c.3182C>T), located in coding exon 12 of the CDK12 gene, results from a C to T substitution at nucleotide position 3182. The proline at codon 1061 is replaced by leucine, an amino acid with similar properties. This amino acid position is conserved. In addition, this alteration is predicted to be tolerated by in silico analysis. Based on the available evidence, the clinical significance of this variant remains unclear.

NM_016507.4(CDK12):c.3182C>T (p.Pro1061Leu)

Gene: CDK12 (cyclin dependent kinase 12; plus strand). Cytogenetic location: 17q12.
Variant type: single nucleotide variant.
Coding change: c.3182C>T on transcript NM_016507.4 (MANE Select); coding-DNA position 3182, C replaced by T.
Protein change: p.Pro1061Leu; replaces proline 1061 with leucine.
Molecular consequence: missense variant.
Genome position (GRCh38, 1-based): chr17:39,524,760, C>T. VCF-style: chr17-39524760-C-T. GRCh37 (hg19) VCF-style: chr17-37681013-C-T.
Other names: c.3182C>T, p.Pro1061Leu (NM_015083.4); short protein forms P1061L.
Identifiers: ClinVar variation 3830675 (VCV003830675.1).